The following is an entry in ClinVar:

NM_001848.3(COL6A1):c.739-2A>G

Gene: COL6A1 (collagen type VI alpha 1 chain; plus strand). Cytogenetic location: 21q22.3.
Variant type: single nucleotide variant.
Coding change: c.739-2A>G on transcript NM_001848.3 (MANE Select); the canonical splice acceptor site of the intron before coding-DNA position 739, A replaced by G.
Molecular consequence: splice acceptor variant.
Genome position (GRCh38, 1-based): chr21:45,987,497, A>G. VCF-style: chr21-45987497-A-G. GRCh37 (hg19) VCF-style: chr21-47407411-A-G.
Identifiers: ClinVar variation 1457711 (VCV001457711.6), dbSNP rs2123467538, ClinGen allele CA410519585.
Genomic context (GRCh38, chr21:45,987,497, plus strand): 5'-TGTGTCCCAGCCGTATGTCCGTGGCTTTCCCACTGACTCGTCTCCATGCTTTCCCCCCAC[A>G]GTGCTGCTCCTTCGAATGCCAGGTGAGTGTGCCCCCCGACCCCTGACCCCGCGCCCTGCA-3'

ClinVar aggregate classification (germline): Pathogenic (1 of 4 stars; one submission).

Conditions:
Bethlem myopathy 1A. Also called: Bethlem myopathy 1; Bethlem Muscular Dystrophy; MYOPATHY, BENIGN CONGENITAL, WITH CONTRACTURES. Identifiers: Orphanet 610, MedGen CN029274, MONDO:0024530, OMIM 158810.

Submission:

Labcorp Genetics (formerly Invitae), Labcorp
Classification: Pathogenic for Bethlem myopathy 1A. Last evaluated: 2024-01-17. Review status: criteria provided, single submitter. Criteria: Invitae Variant Classification Sherloc (09022015). Collection method: clinical testing. Allele origin: germline.
Comment: This sequence change affects an acceptor splice site in intron 6 of the COL6A1 gene. RNA analysis indicates that disruption of this splice site induces altered splicing and likely results in a shortened protein product. This variant is not present in population databases (gnomAD no frequency). Disruption of this splice site has been observed in individual(s) with autosomal dominant Bethlem myopathy (PMID: 15955946, 30706156). It has also been observed to segregate with disease in related individuals. ClinVar contains an entry for this variant (Variation ID: 1457711). Studies have shown that disruption of this splice site results in skipping of exon 7, but is expected to preserve the integrity of the reading-frame (PMID: 15955946). For these reasons, this variant has been classified as Pathogenic.

Literature cited by the submitters: PubMed 15955946; PubMed 30706156.